The following is an entry in ClinVar:

ClinVar aggregate classification (germline): Uncertain significance (1 of 4 stars; one submission).

Conditions:
Familial thoracic aortic aneurysm and aortic dissection (TAAD). Also called: Thoracic aortic aneurysms and dissections. Identifiers: Orphanet 91387, MedGen C4707243, MONDO:0019625.

Allele frequency attached by ClinVar (database versions not stated): gnomAD exomes below 0.00001; TOPMed below 0.00001; gnomAD 0.00001.
gnomAD v4.1: 5 of 1,613,762 alleles (0.00031%); highest among the groups gnomAD compares: African/African-American, 0.0013%; no homozygotes.

Submission:

Labcorp Genetics (formerly Invitae), Labcorp
Classification: Uncertain significance for Familial thoracic aortic aneurysm and aortic dissection. Last evaluated: 2025-06-10. Review status: criteria provided, single submitter. Criteria: Invitae Variant Classification Sherloc (09022015). Collection method: clinical testing. Allele origin: germline.
Comment: This sequence change replaces asparagine, which is neutral and polar, with aspartic acid, which is acidic and polar, at codon 453 of the TGFBR1 protein (p.Asn453Asp). This variant is not present in population databases (gnomAD no frequency). This variant has not been reported in the literature in individuals affected with TGFBR1-related conditions. ClinVar contains an entry for this variant (Variation ID: 1360507). Invitae Evidence Modeling of protein sequence and biophysical properties (such as structural, functional, and spatial information, amino acid conservation, physicochemical variation, residue mobility, and thermodynamic stability) indicates that this missense variant is not expected to disrupt TGFBR1 protein function with a negative predictive value of 80%. In summary, the available evidence is currently insufficient to determine the role of this variant in disease. Therefore, it has been classified as a Variant of Uncertain Significance.

NM_004612.4(TGFBR1):c.1357A>G (p.Asn453Asp)

Gene: TGFBR1 (transforming growth factor beta receptor 1; plus strand). Cytogenetic location: 9q22.33.
Variant type: single nucleotide variant.
Coding change: c.1357A>G on transcript NM_004612.4 (MANE Select); coding-DNA position 1357, A replaced by G.
Protein change: p.Asn453Asp; replaces asparagine 453 with aspartic acid.
Molecular consequence: missense variant.
Genome position (GRCh38, 1-based): chr9:99,147,755, A>G. VCF-style: chr9-99147755-A-G. GRCh37 (hg19) VCF-style: chr9-101910037-A-G.
Other names: c.1126A>G, p.Asn376Asp (NM_001130916.3); c.1369A>G, p.Asn457Asp (NM_001306210.2); short protein forms N376D, N453D, N457D.
Identifiers: ClinVar variation 1360507 (VCV001360507.6), dbSNP rs1827844869, ClinGen allele CA374233461.
Genomic context (GRCh38, chr9:99,147,755, plus strand): 5'-CCTTCTGACCCATCAGTTGAAGAAATGAGAAAAGTTGTTTGTGAACAGAAGTTAAGGCCA[A>G]ATATCCCAAACAGATGGCAGAGCTGTGAAGTGAGTATTTCTTTTTGATATTAGGCAATTT-3'
Protein context (NP_004603.1, residues 443-463): KVVCEQKLRP[Asn453Asp]IPNRWQSCEA